The following is an entry in ClinVar:

ClinVar aggregate classification (germline): Likely pathogenic. Review status: criteria provided, multiple submitters, no conflicts (2 of 4 stars). 4 submissions from 4 submitters: Likely pathogenic (4). Last evaluated 2025-07-18.

Conditions:
Hereditary cancer-predisposing syndrome. Also called: Tumor predisposition; Hereditary Cancer Syndrome; Hereditary neoplastic syndrome; Neoplastic Syndromes, Hereditary. Identifiers: Orphanet 140162, MedGen C0027672, MeSH D009386, MONDO:0015356.
Familial cancer of breast. Also called: hereditary breast carcinoma; Hereditary breast cancer; BREAST CANCER, FAMILIAL. Identifiers: Orphanet 227535, MedGen C0346153, MONDO:0016419, OMIM 114480. Disease mechanism: loss of function.

Submissions (4):

Ambry Genetics
Classification: Likely pathogenic for Hereditary cancer-predisposing syndrome. Last evaluated: 2025-07-18. Review status: criteria provided, single submitter. Criteria: Ambry Variant Classification Scheme 2023. Collection method: clinical testing. Allele origin: germline.
Comment: The c.684-1G>C intronic variant results from a G to C substitution one nucleotide upstream from coding exon 5 of the CHEK2 gene. This variant is considered to be rare based on population cohorts in the Genome Aggregation Database (gnomAD). This nucleotide position is highly conserved in available vertebrate species. In silico splice site analysis predicts that this alteration will weaken the native splice acceptor site and may result in the creation or strengthening of a novel splice acceptor site. Alterations that disrupt the canonical splice site are expected to cause aberrant splicing, resulting in an abnormal protein or a transcript that is subject to nonsense-mediated mRNA decay. As such, this alteration is classified as likely pathogenic.

Labcorp Genetics (formerly Invitae), Labcorp
Classification: Likely pathogenic for Familial cancer of breast. Last evaluated: 2024-08-22. Review status: criteria provided, single submitter. Criteria: Invitae Variant Classification Sherloc (09022015). Collection method: clinical testing. Allele origin: germline.
Comment: This sequence change affects an acceptor splice site in intron 5 of the CHEK2 gene. It is expected to disrupt RNA splicing. Variants that disrupt the donor or acceptor splice site typically lead to a loss of protein function (PMID: 16199547), and loss-of-function variants in CHEK2 are known to be pathogenic (PMID: 21876083, 24713400). This variant is not present in population databases (gnomAD no frequency). Disruption of this splice site has been observed in individual(s) with breast cancer (PMID: 26534844, 30287823). ClinVar contains an entry for this variant (Variation ID: 1481008). Algorithms developed to predict the effect of sequence changes on RNA splicing suggest that this variant may disrupt the consensus splice site. In summary, the currently available evidence indicates that the variant is pathogenic, but additional data are needed to prove that conclusively. Therefore, this variant has been classified as Likely Pathogenic.

Baylor Genetics
Classification: Likely pathogenic for Familial cancer of breast. Last evaluated: 2023-12-05. Review status: criteria provided, single submitter. Criteria: ACMG Guidelines, 2015. Collection method: clinical testing. Allele origin: unknown.

Myriad Genetics, Inc.
Classification: Likely pathogenic for Familial cancer of breast. Last evaluated: 2023-06-26. Review status: criteria provided, single submitter. Criteria: Myriad Autosomal Dominant, Autosomal Recessive and X-Linked Classification Criteria (2023). Collection method: clinical testing. Allele origin: unknown.
Comment: This variant is considered likely pathogenic. This variant occurs within a consensus splice junction and is predicted to result in abnormal mRNA splicing of either an out-of-frame exon or an in-frame exon necessary for protein stability and/or normal function.

Literature cited by the submitters: PubMed 16199547 (cited by Labcorp Genetics (formerly Invitae), Labcorp); PubMed 21876083 (cited by Labcorp Genetics (formerly Invitae), Labcorp); PubMed 24713400 (cited by Labcorp Genetics (formerly Invitae), Labcorp); PubMed 26534844 (cited by Labcorp Genetics (formerly Invitae), Labcorp); PubMed 30287823 (cited by Labcorp Genetics (formerly Invitae), Labcorp).

NM_007194.4(CHEK2):c.684-1G>C

Gene: CHEK2 (checkpoint kinase 2; minus strand). Cytogenetic location: 22q12.1.
Variant type: single nucleotide variant.
Coding change: c.684-1G>C on transcript NM_007194.4 (MANE Select); the canonical splice acceptor site of the intron before coding-DNA position 684, G replaced by C.
Molecular consequence: splice acceptor variant.
Genome position (GRCh38, 1-based): chr22:28,712,018, C>G on the plus strand (G>C on the coding strand, the complement: CHEK2 is on the minus strand). VCF-style: chr22-28712018-C-G. GRCh37 (hg19) VCF-style: chr22-29108006-C-G.
Other names: c.21-1G>C (NM_001437942.1, NM_001257387.3); c.483-1G>C (NM_001349956.3); c.684-1G>C (NM_145862.3, NM_007194.3); c.777-1G>C (NM_001438295.1, NM_001438293.1); c.813-1G>C (NM_001438294.1, NM_001005735.3).
Identifiers: ClinVar variation 1481008 (VCV001481008.13), dbSNP rs1298667185, ClinGen allele CA411103526.
Genomic context (GRCh38, chr22:28,712,018, plus strand): 5'-ATGGCTACTTTCTTACATGTTTTCCTCTCGAAAGCCAGCTTTACCTCTCCACAGGCACCA[C>G]TAGAGGGAAAAACAAAGATAGTGATTGTCTGAATGTTTTTAATTATGAGACCTACCACTC-3'